The following is an entry in ClinVar:

NM_003126.4(SPTA1):c.6964T>C (p.Phe2322Leu)

Gene: SPTA1 (spectrin alpha, erythrocytic 1; minus strand). Cytogenetic location: 1q23.1.
Variant type: single nucleotide variant.
Coding change: c.6964T>C on transcript NM_003126.4 (MANE Select); coding-DNA position 6964, T replaced by C.
Protein change: p.Phe2322Leu; replaces phenylalanine 2322 with leucine.
Molecular consequence: missense variant.
Genome position (GRCh38, 1-based): chr1:158,613,746, A>G on the plus strand (T>C on the coding strand, the complement: SPTA1 is on the minus strand). VCF-style: chr1-158613746-A-G. GRCh37 (hg19) VCF-style: chr1-158583536-A-G.
Other names: short protein forms F2322L.
Identifiers: ClinVar variation 3615631 (VCV003615631.2).
Genomic context (GRCh38, chr1:158,613,746, plus strand): 5'-CCCTGCTGCGGTCTGACCCTTAGTCTTGTTCCTACCTCCCTGGATCCACAGCATCCAGGA[A>G]CTTCTCAAACTTGGGCTCATGTTCATCCTCCTCCACCATGGGCAAGTAGTAATTGAGTCC-3'
Protein context (NP_003117.2, residues 2312-2332): EDEHEPKFEK[Phe2322Leu]LDAVDPGRKG

ClinVar aggregate classification (germline): Uncertain significance (1 of 4 stars; one submission).

gnomAD v4.1: 3 of 1,613,804 alleles (0.00019%); highest among the groups gnomAD compares: Admixed American, 0.0033%; no homozygotes.

Submission:

Labcorp Genetics (formerly Invitae), Labcorp
Classification: Uncertain significance. Last evaluated: 2024-04-15. Review status: criteria provided, single submitter. Criteria: Invitae Variant Classification Sherloc (09022015). Collection method: clinical testing. Allele origin: germline.
Comment: This sequence change replaces phenylalanine, which is neutral and non-polar, with leucine, which is neutral and non-polar, at codon 2322 of the SPTA1 protein (p.Phe2322Leu). This variant is not present in population databases (gnomAD no frequency). This variant has not been reported in the literature in individuals affected with SPTA1-related conditions. Advanced modeling of protein sequence and biophysical properties (such as structural, functional, and spatial information, amino acid conservation, physicochemical variation, residue mobility, and thermodynamic stability) performed at Invitae indicates that this missense variant is not expected to disrupt SPTA1 protein function with a negative predictive value of 80%. In summary, the available evidence is currently insufficient to determine the role of this variant in disease. Therefore, it has been classified as a Variant of Uncertain Significance.